The following is an entry in ClinVar:

ClinVar aggregate classification (germline): Uncertain significance. Review status: criteria provided, multiple submitters, no conflicts (2 of 4 stars). 3 submissions from 3 submitters: Uncertain significance (2). 1 of the submissions does not count toward it. Last evaluated 2025-08-05.

Conditions:
Hereditary cancer-predisposing syndrome. Also called: Hereditary neoplastic syndrome; Tumor predisposition; Hereditary Cancer Syndrome; Neoplastic Syndromes, Hereditary. Identifiers: Orphanet 140162, MedGen C0027672, MeSH D009386, MONDO:0015356.
Familial adenomatous polyposis 1 (FAP1). Also called: FAMILIAL ADENOMATOUS POLYPOSIS 1, ATTENUATED; POLYPOSIS, ADENOMATOUS INTESTINAL. Identifiers: MedGen C2713442, MONDO:0021056, OMIM 175100. Disease mechanism: loss of function.

Submissions (3):

Ambry Genetics
Classification: Uncertain significance for Hereditary cancer-predisposing syndrome. Last evaluated: 2025-08-05. Review status: criteria provided, single submitter. Criteria: Ambry Variant Classification Scheme 2023. Collection method: clinical testing. Allele origin: germline.
Comment: The p.A2576T variant (also known as c.7726G>A), located in coding exon 15 of the APC gene, results from a G to A substitution at nucleotide position 7726. The alanine at codon 2576 is replaced by threonine, an amino acid with similar properties. This amino acid position is highly conserved in available vertebrate species. In addition, in silico predictors for this gene do not accurately predict pathogenicity. Missense alterations in APC are not a common cause of disease (Spier I et al. Genet Med. 2024 Feb;26(2):100992). Based on the available evidence, the clinical significance of this variant remains unclear.

Baylor Genetics
Classification: Uncertain significance for Familial adenomatous polyposis 1. Last evaluated: 2024-01-22. Review status: criteria provided, single submitter. Criteria: ACMG Guidelines, 2015. Collection method: clinical testing. Allele origin: unknown.

Mayo Clinic Laboratories, Mayo Clinic
Classification: Uncertain significance. Review status: no assertion criteria provided. Collection method: clinical testing. Allele origin: unknown. Not counted in ClinVar's aggregate classification.

NM_000038.6(APC):c.7726G>A (p.Ala2576Thr)

Gene: APC (APC regulator of Wnt signaling pathway; plus strand). Cytogenetic location: 5q22.2.
Variant type: single nucleotide variant.
Coding change: c.7726G>A on transcript NM_000038.6 (MANE Select); coding-DNA position 7726, G replaced by A.
Protein change: p.Ala2576Thr; replaces alanine 2576 with threonine.
Molecular consequence: missense variant.
Genome position (GRCh38, 1-based): chr5:112,843,320, G>A. VCF-style: chr5-112843320-G-A. GRCh37 (hg19) VCF-style: chr5-112179017-G-A.
Other names: c.7726G>A, p.Ala2576Thr (NM_001127510.3, NM_001354895.2); c.7672G>A, p.Ala2558Thr (NM_001127511.3); c.7780G>A, p.Ala2594Thr (NM_001354896.2); c.7756G>A, p.Ala2586Thr (NM_001354897.2); c.7651G>A, p.Ala2551Thr (NM_001354898.2); c.7642G>A, p.Ala2548Thr (NM_001354899.2); c.7603G>A, p.Ala2535Thr (NM_001354900.2); c.7549G>A, p.Ala2517Thr (NM_001354901.2); and 5 more; short protein forms A2558T, A2576T, A2293T, A2517T, A2535T, A2548T, A2551T, A2416T.
Identifiers: ClinVar variation 492672 (VCV000492672.9), dbSNP rs1554088617, ClinGen allele CA16038108.